The following is an entry in ClinVar:

ClinVar aggregate classification (germline): Uncertain significance (1 of 4 stars; one submission).

Conditions:
Hereditary spastic paraplegia 11. Also called: Nakamura Osame syndrome; Autosomal recessive hereditary spastic paraplegia, mental impairment, and thin corpus callosum; Spastic paraplegia, mental retardation and thin corpus callosum; SPASTIC PARAPLEGIA, AUTOSOMAL RECESSIVE, COMPLICATED, WITH THIN CORPUS CALLOSUM; SPASTIC PARAPLEGIA, AUTOSOMAL RECESSIVE, WITH MENTAL IMPAIRMENT AND THIN CORPUS CALLOSUM; Spastic Paraplegia 11. Identifiers: Orphanet 2822, MedGen C1858479, MONDO:0011445, OMIM 604360.

gnomAD v4.1: 2 of 1,614,180 alleles (0.00012%); highest among the groups gnomAD compares: Admixed American, 0.0033%; no homozygotes.

Submission:

Labcorp Genetics (formerly Invitae), Labcorp
Classification: Uncertain significance for Hereditary spastic paraplegia 11. Last evaluated: 2025-04-13. Review status: criteria provided, single submitter. Criteria: Invitae Variant Classification Sherloc (09022015). Collection method: clinical testing. Allele origin: germline.
Comment: This sequence change replaces glycine, which is neutral and non-polar, with glutamic acid, which is acidic and polar, at codon 1504 of the SPG11 protein (p.Gly1504Glu). This variant is not present in population databases (gnomAD no frequency). This variant has not been reported in the literature in individuals affected with SPG11-related conditions. ClinVar contains an entry for this variant (Variation ID: 3625032). Invitae Evidence Modeling of protein sequence and biophysical properties (such as structural, functional, and spatial information, amino acid conservation, physicochemical variation, residue mobility, and thermodynamic stability) indicates that this missense variant is not expected to disrupt SPG11 protein function with a negative predictive value of 80%. In summary, the available evidence is currently insufficient to determine the role of this variant in disease. Therefore, it has been classified as a Variant of Uncertain Significance.

NM_025137.4(SPG11):c.4511G>A (p.Gly1504Glu)

Gene: SPG11 (SPG11 vesicle trafficking associated, spatacsin; minus strand). Cytogenetic location: 15q21.1.
Variant type: single nucleotide variant.
Coding change: c.4511G>A on transcript NM_025137.4 (MANE Select); coding-DNA position 4511, G replaced by A.
Protein change: p.Gly1504Glu; replaces glycine 1504 with glutamic acid.
Molecular consequence: missense variant.
Genome position (GRCh38, 1-based): chr15:44,595,383, C>T on the plus strand (G>A on the coding strand, the complement: SPG11 is on the minus strand). VCF-style: chr15-44595383-C-T. GRCh37 (hg19) VCF-style: chr15-44887581-C-T.
Other names: c.4511G>A, p.Gly1504Glu (NM_001160227.2, NM_001411132.1); short protein forms G1504E.
Identifiers: ClinVar variation 3625032 (VCV003625032.2).